The following is an entry in ClinVar:

ClinVar aggregate classification (germline): Uncertain significance. Review status: criteria provided, multiple submitters, no conflicts (2 of 4 stars). 2 submissions from 2 submitters: Uncertain significance (2). Last evaluated 2023-06-02.

Conditions:
Retinitis pigmentosa 76 (RP76). Identifiers: MedGen C4310704, MONDO:0014929, OMIM 617123.
Muscular dystrophy-dystroglycanopathy (congenital with impaired intellectual development), type B, 3. Also called: Muscular dystrophy-dystroglycanopathy (congenital with intellectual disability), type B3; MUSCULAR DYSTROPHY, CONGENITAL, POMGNT1-RELATED. Identifiers: MedGen C3150412, MONDO:0013155, OMIM 613151.
Muscular dystrophy-dystroglycanopathy (congenital with brain and eye anomalies), type A3. Also called: WALKER-WARBURG SYNDROME OR MUSCLE-EYE-BRAIN DISEASE, POMGNT1-RELATED; Congenital muscular dystrophy-dystroglycanopathy with brain and eye anomalies, type A3; Muscular dystrophy-dystroglycanopathy (congenital with brain and eye anomalies), type A, 3. Identifiers: MedGen C3151519, MONDO:0009667, OMIM 253280.
POMGNT1-related disorder. Also called: POMGNT1-related condition; POMGNT1-related disorders. Identifiers: MedGen CN239299.
Inborn genetic diseases. Identifiers: MedGen C0950123, MeSH D030342.

Allele frequency attached by ClinVar (database versions not stated): TOPMed below 0.00001; gnomAD 0.00001.
gnomAD v4.1: 1 of 1,613,898 alleles (0.000062%); highest among the groups gnomAD compares: Non-Finnish European, 0.000085%; no homozygotes.

Submissions (2):

Ambry Genetics
Classification: Uncertain significance for Inborn genetic diseases. Last evaluated: 2023-06-02. Review status: criteria provided, single submitter. Criteria: Ambry Variant Classification Scheme 2023. Collection method: clinical testing. Allele origin: germline.

Broad Center for Mendelian Genomics, Broad Institute of MIT and Harvard
Classification: Uncertain significance for Retinitis pigmentosa 76. Last evaluated: 2023-01-24. Review status: criteria provided, single submitter. Criteria: ACMG Guidelines, 2015. Collection method: curation. Allele origin: germline. Inheritance: Autosomal recessive inheritance.
Comment: The p.Phe501Ser variant in POMGNT1 has not been previously reported in the literature in individuals with POMGNT1-associated retinal dystrophy but has been identified in 0.0147% (1/68016) of European (non-Finnish) chromosomes by the Genome Aggregation Database (gnomAD; dbSNP ID: rs727502852). Although this variant has been seen in the general population in a heterozygous state, its frequency is low enough to be consistent with a recessive carrier frequency. Computational prediction tools and conservation analyses suggest that this variant may impact the protein, though this information is not predictive enough to determine pathogenicity. In summary, the clinical significance of the p.Phe501Ser variant is uncertain. ACMG/AMP Criteria applied: PM2_Supporting, PP3 (Richards 2015).

NM_017739.4(POMGNT1):c.1502T>C (p.Phe501Ser)

Genes: POMGNT1 (protein O-linked mannose N-acetylglucosaminyltransferase 1 (beta 1,2-); minus strand), TSPAN1 (tetraspanin 1; plus strand). Cytogenetic location: 1p34.1.
Variant type: single nucleotide variant.
Coding change: c.1502T>C on transcript NM_017739.4 (MANE Select); coding-DNA position 1502, T replaced by C.
Protein change: p.Phe501Ser; replaces phenylalanine 501 with serine.
Molecular consequence: missense variant.
Genome position (GRCh38, 1-based): chr1:46,192,135, A>G on the plus strand (T>C on the coding strand, the complement: POMGNT1 is on the minus strand). VCF-style: chr1-46192135-A-G. GRCh37 (hg19) VCF-style: chr1-46657807-A-G.
Other names: NM_017739.4:c.1502T>C; c.1502T>C, p.Phe501Ser (NM_001243766.2, NM_001410783.1); c.1436T>C, p.Phe479Ser (NM_001290129.3); c.1073T>C, p.Phe358Ser (NM_001290130.2); short protein forms F501S, F358S, F479S.
Identifiers: ClinVar variation 2412676 (VCV002412676.4), dbSNP rs727502852, ClinGen allele CA295422.